The following is an entry in ClinVar:

ClinVar aggregate classification (germline): Uncertain significance (1 of 4 stars; one submission).

Conditions:
Inborn genetic diseases. Identifiers: MedGen C0950123, MeSH D030342.

Allele frequency attached by ClinVar (database versions not stated): gnomAD exomes below 0.00001; ExAC 0.00003; gnomAD 0.00004; TOPMed 0.00006.
gnomAD v4.1: 13 of 1,548,116 alleles (0.00084%); highest among the groups gnomAD compares: African/African-American, 0.016%; no homozygotes.

Submission:

Ambry Genetics
Classification: Uncertain significance for Inborn genetic diseases. Last evaluated: 2021-06-23. Review status: criteria provided, single submitter. Criteria: Ambry Variant Classification Scheme 2023. Collection method: clinical testing. Allele origin: germline.
Comment: The c.348+6A>G intronic alteration consists of a A to G substitution nucleotides after coding exon 2 in the TRMT10A gene. Based on insufficient or conflicting evidence, the clinical significance of this alteration remains unclear.

NM_001134665.3(TRMT10A):c.348+6A>G

Gene: TRMT10A (tRNA methyltransferase 10A; minus strand). Cytogenetic location: 4q23.
Variant type: single nucleotide variant.
Coding change: c.348+6A>G on transcript NM_001134665.3 (MANE Select); 6 bases into the intron after coding-DNA position 348, A replaced by G.
Molecular consequence: intron variant.
Genome position (GRCh38, 1-based): chr4:99,558,043, T>C on the plus strand (A>G on the coding strand, the complement: TRMT10A is on the minus strand). VCF-style: chr4-99558043-T-C. GRCh37 (hg19) VCF-style: chr4-100479200-T-C.
Other names: c.348+6A>G (NM_001134666.3, NM_001375882.1, NM_001375881.1 and 2 more transcripts).
Identifiers: ClinVar variation 2231420 (VCV002231420.2), dbSNP rs747022504, ClinGen allele CA3021575.
Genomic context (GRCh38, chr4:99,558,043, plus strand): 5'-ATATTAAAACAAAAATGATTCGACCTAATTCACATACAAGATTTTTCTGACAATGATTCA[T>C]GATACCTTTAATACCATCAAGTGATCAAAACTACAGTCAATAATAAGGCGAAGGGTGCTA-3'